The following is an entry in ClinVar:

NM_020631.6(PLEKHG5):c.1883G>A (p.Arg628Lys)

Gene: PLEKHG5 (pleckstrin homology and RhoGEF domain containing G5; minus strand). Cytogenetic location: 1p36.31.
Variant type: single nucleotide variant.
Coding change: c.1883G>A on transcript NM_020631.6 (MANE Select); coding-DNA position 1883, G replaced by A.
Protein change: p.Arg628Lys; replaces arginine 628 with lysine.
Molecular consequence: missense variant.
Genome position (GRCh38, 1-based): chr1:6,469,594, C>T on the plus strand (G>A on the coding strand, the complement: PLEKHG5 is on the minus strand). VCF-style: chr1-6469594-C-T. GRCh37 (hg19) VCF-style: chr1-6529654-C-T.
Other names: c.1994G>A, p.Arg665Lys (NM_001042663.3, NM_001265592.2); c.1883G>A, p.Arg628Lys (NM_001042664.2, NM_001042665.2, NM_001265594.3 and 1 more transcripts); c.2090G>A, p.Arg697Lys (NM_001265593.2); short protein forms R628K, R697K, R665K.
Identifiers: ClinVar variation 297953 (VCV000297953.61), dbSNP rs144245744, ClinGen allele CA561326.

ClinVar aggregate classification (germline): Conflicting classifications of pathogenicity. Review status: criteria provided, conflicting classifications (1 of 4 stars). 6 submissions from 6 submitters: Uncertain significance (5); Likely benign (1). Last evaluated 2026-01-29.

Conditions:
Inborn genetic diseases. Identifiers: MedGen C0950123, MeSH D030342.
Charcot-Marie-Tooth disease recessive intermediate C. Also called: CHARCOT-MARIE-TOOTH NEUROPATHY, RECESSIVE INTERMEDIATE C. Identifiers: Orphanet 369867, MedGen C3809309, MONDO:0014154, OMIM 615376.
Neuronopathy, distal hereditary motor, autosomal recessive 4. Also called: Autosomal recessive lower motor neuron disease with childhood onset; NEUROPATHY, DISTAL HEREDITARY MOTOR, AUTOSOMAL RECESSIVE 4. Identifiers: Orphanet 206580, MedGen C1970211, MONDO:0012608, OMIM 611067.

Allele frequency attached by ClinVar (database versions not stated): gnomAD exomes 0.00006 and 0.00012; gnomAD 0.00007; TOPMed 0.00008; ExAC 0.00009; ESP Exome Variant Server 0.00015.
gnomAD v4.1: 98 of 1,613,744 alleles (0.0061%); highest among the groups gnomAD compares: Non-Finnish European, 0.001%; no homozygotes.

Submissions (6):

Labcorp Genetics (formerly Invitae), Labcorp
Classification: Likely benign for Neuronopathy, distal hereditary motor, autosomal recessive 4; Charcot-Marie-Tooth disease recessive intermediate C. Last evaluated: 2026-01-29. Review status: criteria provided, single submitter. Criteria: Invitae Variant Classification Sherloc (09022015). Collection method: clinical testing. Allele origin: germline.

ARUP Laboratories, Molecular Genetics and Genomics, ARUP Laboratories
Classification: Uncertain significance. Last evaluated: 2025-07-16. Review status: criteria provided, single submitter. Criteria: ARUP Molecular Germline Variant Investigation Process 2024. Collection method: clinical testing. Allele origin: germline.
Comment: The PLEKHG5 c.1883G>A; p.Arg628Lys variant (rs144245744), to our knowledge, is not reported in the medical literature but is reported in ClinVar (Variation ID: 297953). This variant is found in the general population with an overall frequency of 0.012% (33/282690 alleles) in the Genome Aggregation Database (v2.1.1). Computational analyses are uncertain whether this variant is neutral or deleterious (REVEL: 0.208). Due to limited information, the clinical significance of this variant is uncertain at this time.

Ambry Genetics
Classification: Uncertain significance for Inborn genetic diseases. Last evaluated: 2021-02-25. Review status: criteria provided, single submitter. Criteria: Ambry Variant Classification Scheme 2023. Collection method: clinical testing. Allele origin: germline.
Comment: The p.R628K variant (also known as c.1883G>A), located in coding exon 16 of the PLEKHG5 gene, results from a G to A substitution at nucleotide position 1883. The arginine at codon 628 is replaced by lysine, an amino acid with highly similar properties. This amino acid position is highly conserved in available vertebrate species. In addition, the in silico prediction for this alteration is inconclusive. Since supporting evidence is limited at this time, the clinical significance of this alteration remains unclear.

GeneDx
Classification: Uncertain significance. Last evaluated: 2020-01-08. Review status: criteria provided, single submitter. Criteria: GeneDx Variant Classification Process June 2021. Collection method: clinical testing. Allele origin: germline. Affected: yes.
Comment: In silico analysis, which includes protein predictors and evolutionary conservation, supports that this variant does not alter protein structure/function; Has not been previously published as pathogenic or benign to our knowledge

Illumina Laboratory Services, Illumina
Classification: Uncertain significance for Neuronopathy, distal hereditary motor, autosomal recessive 4. Last evaluated: 2018-01-13. Review status: criteria provided, single submitter. Criteria: ICSL Variant Classification Criteria 13 December 2019. Collection method: clinical testing. Allele origin: germline.

CeGaT Center for Human Genetics Tuebingen
Classification: Uncertain significance. Last evaluated: 2016-10-01. Review status: criteria provided, single submitter. Criteria: CeGaT Center For Human Genetics Tuebingen Variant Classification Criteria Version 2. Collection method: clinical testing. Allele origin: germline. Affected: yes. Observed: 1 variant allele.